The following is an entry in ClinVar:

ClinVar aggregate classification (germline): Uncertain significance. Review status: criteria provided, single submitter (1 of 4 stars). 2 submissions from 2 submitters: Uncertain significance (1). 1 of the submissions does not count toward it. Last evaluated 2024-10-21.

Conditions:
Autosomal recessive polycystic kidney disease (ARPKD). Also called: AR polycystic kidney disease. Identifiers: Orphanet 731, Orphanet 8378, MedGen C0085548, MeSH D017044, MONDO:0009889.

Submissions (2):

Labcorp Genetics (formerly Invitae), Labcorp
Classification: Uncertain significance for Autosomal recessive polycystic kidney disease. Last evaluated: 2024-10-21. Review status: criteria provided, single submitter. Criteria: Invitae Variant Classification Sherloc (09022015). Collection method: clinical testing. Allele origin: germline.
Comment: This sequence change replaces proline, which is neutral and non-polar, with leucine, which is neutral and non-polar, at codon 786 of the PKHD1 protein (p.Pro786Leu). This variant is not present in population databases (gnomAD no frequency). This variant has not been reported in the literature in individuals affected with PKHD1-related conditions. ClinVar contains an entry for this variant (Variation ID: 960911). Invitae Evidence Modeling of protein sequence and biophysical properties (such as structural, functional, and spatial information, amino acid conservation, physicochemical variation, residue mobility, and thermodynamic stability) has been performed for this missense variant. However, the output from this modeling did not meet the statistical confidence thresholds required to predict the impact of this variant on PKHD1 protein function. In summary, the available evidence is currently insufficient to determine the role of this variant in disease. Therefore, it has been classified as a Variant of Uncertain Significance.

Natera, Inc.
Classification: Uncertain significance for Autosomal recessive polycystic kidney disease. Last evaluated: 2019-06-17. Review status: no assertion criteria provided. Collection method: clinical testing. Allele origin: germline. Not counted in ClinVar's aggregate classification.

NM_138694.4(PKHD1):c.2357C>T (p.Pro786Leu)

Gene: PKHD1 (PKHD1 ciliary IPT domain containing fibrocystin/polyductin; minus strand). Cytogenetic location: 6p12.2.
Variant type: single nucleotide variant.
Coding change: c.2357C>T on transcript NM_138694.4 (MANE Select); coding-DNA position 2357, C replaced by T.
Protein change: p.Pro786Leu; replaces proline 786 with leucine.
Molecular consequence: missense variant.
Genome position (GRCh38, 1-based): chr6:52,048,542, G>A on the plus strand (C>T on the coding strand, the complement: PKHD1 is on the minus strand). VCF-style: chr6-52048542-G-A. GRCh37 (hg19) VCF-style: chr6-51913340-G-A.
Other names: c.2357C>T, p.Pro786Leu (NM_170724.3); short protein forms P786L.
Identifiers: ClinVar variation 960911 (VCV000960911.14), dbSNP rs1806234590, ClinGen allele CA364443533.
Genomic context (GRCh38, chr6:52,048,542, plus strand): 5'-ACCCCTTTACCAGAAATCACTGTATTAGGAAGCTGGATGCGAAAGTGTCCTCCTAGAGGT[G>A]GACTTGTCCGCTGTCGTCTCTGTGTCGTCACCAGGACCAGTCCAGATCCCTCTTCTGTTC-3'
Protein context (NP_619639.3, residues 776-796): VTTQRRQRTS[Pro786Leu]PLGGHFRIQL